The following is an entry in ClinVar:

ClinVar aggregate classification (germline): Uncertain significance (1 of 4 stars; one submission).

Conditions:
Progressive sclerosing poliodystrophy (MTDPS4A). Also called: Mitochondrial DNA Depletion Syndrome 4A; ALPERS PROGRESSIVE INFANTILE POLIODYSTROPHY; NEURONAL DEGENERATION OF CHILDHOOD WITH LIVER DISEASE, PROGRESSIVE; Mitochondrial DNA depletion syndrome 4A (Alpers type); Alpers Syndrome; ALPERS DIFFUSE DEGENERATION OF CEREBRAL GRAY MATTER WITH HEPATIC CIRRHOSIS. Identifiers: Orphanet 726, MedGen C0205710, MONDO:0008758, OMIM 203700.

Submission:

Labcorp Genetics (formerly Invitae), Labcorp
Classification: Uncertain significance for Progressive sclerosing poliodystrophy. Last evaluated: 2023-05-08. Review status: criteria provided, single submitter. Criteria: Invitae Variant Classification Sherloc (09022015). Collection method: clinical testing. Allele origin: germline.
Comment: In summary, the available evidence is currently insufficient to determine the role of this variant in disease. Therefore, it has been classified as a Variant of Uncertain Significance. Experimental studies and prediction algorithms are not available or were not evaluated, and the functional significance of this variant is currently unknown. ClinVar contains an entry for this variant (Variation ID: 2006280). This variant has not been reported in the literature in individuals affected with POLG-related conditions. Information on the frequency of this variant in the gnomAD database is not available, as this variant may be reported differently in the database. This variant, c.1452_1453delinsTT, is a complex sequence change that results in the deletion of 2 and insertion of 2 amino acid(s) in the POLG protein (p.Trp484_Leu485delinsCysPhe).

NM_002693.3(POLG):c.1452_1453delinsTT (p.Trp484_Leu485delinsCysPhe)

Gene: POLG (DNA polymerase gamma, catalytic subunit; minus strand). Cytogenetic location: 15q26.1.
Variant type: Indel.
Coding change: c.1452_1453delinsTT on transcript NM_002693.3 (MANE Select); coding-DNA positions 1452 to 1453, GC replaced by TT.
Protein change: p.Trp484_Leu485delinsCysPhe.
Molecular consequence: missense variant.
Genome position (GRCh38, 1-based): chr15:89,327,044-89,327,045, GC replaced by AA on the plus strand (GC replaced by TT on the coding strand, the reverse complement: POLG is on the minus strand). VCF-style: chr15-89327044-GC-AA. GRCh37 (hg19) VCF-style: chr15-89870275-GC-AA.
Other names: c.1452_1453delinsTT, p.Trp484_Leu485delinsCysPhe (NM_001126131.2).
Identifiers: ClinVar variation 2006280 (VCV002006280.4), dbSNP rs2509255106, ClinGen allele CA2580090173.